The following is an entry in ClinVar:

ClinVar aggregate classification (germline): Uncertain significance (1 of 4 stars; one submission).

Allele frequency attached by ClinVar (database versions not stated): gnomAD exomes below 0.00001.
gnomAD v4.1: 1 of 1,613,954 alleles (0.000062%); highest among the groups gnomAD compares: South Asian, 0.0011%; no homozygotes.

Submission:

GeneDx
Classification: Uncertain significance. Last evaluated: 2022-03-21. Review status: criteria provided, single submitter. Criteria: GeneDx Variant Classification Process June 2021. Collection method: clinical testing. Allele origin: germline. Affected: yes.
Comment: Not observed at significant frequency in large population cohorts (gnomAD); In silico analysis supports that this missense variant has a deleterious effect on protein structure/function; Has not been previously published as pathogenic or benign to our knowledge

NM_001135651.3(EIF2AK2):c.362G>T (p.Cys121Phe)

Gene: EIF2AK2 (eukaryotic translation initiation factor 2 alpha kinase 2; minus strand). Cytogenetic location: 2p22.2.
Variant type: single nucleotide variant.
Coding change: c.362G>T on transcript NM_001135651.3 (MANE Select); coding-DNA position 362, G replaced by T.
Protein change: p.Cys121Phe; replaces cysteine 121 with phenylalanine.
Molecular consequence: missense variant.
Genome position (GRCh38, 1-based): chr2:37,141,580, C>A on the plus strand (G>T on the coding strand, the complement: EIF2AK2 is on the minus strand). VCF-style: chr2-37141580-C-A. GRCh37 (hg19) VCF-style: chr2-37368723-C-A.
Other names: c.362G>T, p.Cys121Phe (NM_001135652.3, NM_002759.4); short protein forms C121F.
Identifiers: ClinVar variation 1707161 (VCV001707161.2), dbSNP rs2465348428, ClinGen allele CA346319689.